The following is an entry in ClinVar:

ClinVar aggregate classification (germline): Benign/Likely benign. Review status: criteria provided, multiple submitters, no conflicts (2 of 4 stars). 2 submissions from 2 submitters: Benign (1); Likely benign (1). Last evaluated 2026-01-10.

Conditions:
Hereditary cancer-predisposing syndrome. Also called: Hereditary Cancer Syndrome; Neoplastic Syndromes, Hereditary; Tumor predisposition; Hereditary neoplastic syndrome. Identifiers: Orphanet 140162, MedGen C0027672, MeSH D009386, MONDO:0015356.
Hereditary diffuse gastric adenocarcinoma (HDGC). Also called: DIFFUSE GASTRIC AND LOBULAR BREAST CANCER SYNDROME. Identifiers: Orphanet 26106, MedGen C1708349, MONDO:0007648, OMIM 137215.

gnomAD v4.1: 1 of 1,611,620 alleles (0.000062%); highest among the groups gnomAD compares: Non-Finnish European, 0.000085%; no homozygotes.

Submissions (2):

Ambry Genetics
Classification: Likely benign for Hereditary cancer-predisposing syndrome. Last evaluated: 2026-01-10. Review status: criteria provided, single submitter. Criteria: Ambry Variant Classification Scheme 2023. Collection method: clinical testing. Allele origin: germline.

Myriad Genetics, Inc.
Classification: Benign for Hereditary diffuse gastric adenocarcinoma. Last evaluated: 2024-10-11. Review status: criteria provided, single submitter. Criteria: Myriad Autosomal Dominant, Autosomal Recessive and X-Linked Classification Criteria (2023). Collection method: clinical testing. Allele origin: unknown.
Comment: This variant is considered benign. This variant is a silent/synonymous amino acid change and it is not expected to impact splicing.

NM_001903.5(CTNNA1):c.1197T>G (p.Val399=)

Gene: CTNNA1 (catenin alpha 1; plus strand). Cytogenetic location: 5q31.2.
Variant type: single nucleotide variant.
Coding change: c.1197T>G on transcript NM_001903.5 (MANE Select); coding-DNA position 1197, T replaced by G.
Protein change: p.Val399=; no amino-acid change (valine 399 retained).
Molecular consequence: synonymous variant. On other transcripts: 5 prime UTR variant (5), intron variant (2).
Genome position (GRCh38, 1-based): chr5:138,887,543, T>G. VCF-style: chr5-138887543-T-G. GRCh37 (hg19) VCF-style: chr5-138223232-T-G.
Other names: c.1197T>G (NM_001903.2); c.1197T>G, p.Val399= (NM_001290307.3, NM_001323982.2, NM_001323983.1 and 3 more transcripts); c.888T>G, p.Val296= (NM_001290309.3); c.828T>G, p.Val276= (NM_001290310.3); c.87T>G, p.Val29= (NM_001290312.1, NM_001323987.1, NM_001323988.1 and 18 more transcripts); c.-311T>G (NM_001324006.1, NM_001324007.1, NM_001324008.1 and 1 more transcripts); c.-186T>G (NM_001324013.1); c.-58+11946T>G (NM_001324012.1); and 1 more.
Identifiers: ClinVar variation 3773493 (VCV003773493.2).